The following is an entry in ClinVar:

NM_000540.3(RYR1):c.3982G>A (p.Asp1328Asn)

Gene: RYR1 (ryanodine receptor 1; plus strand). Cytogenetic location: 19q13.2.
Variant type: single nucleotide variant.
Coding change: c.3982G>A on transcript NM_000540.3 (MANE Select); coding-DNA position 3982, G replaced by A.
Protein change: p.Asp1328Asn; replaces aspartic acid 1328 with asparagine.
Molecular consequence: missense variant.
Genome position (GRCh38, 1-based): chr19:38,473,593, G>A. VCF-style: chr19-38473593-G-A. GRCh37 (hg19) VCF-style: chr19-38964233-G-A.
Other names: c.3982G>A, p.Asp1328Asn (NM_001042723.2); short protein forms D1328N.
Identifiers: ClinVar variation 4705087 (VCV004705087.1).

ClinVar aggregate classification (germline): Uncertain significance (1 of 4 stars; one submission).

Conditions:
RYR1-related disorder. Also called: RYR1-related condition; RYR1-related disorders. Identifiers: MedGen CN239331.

Submission:

Labcorp Genetics (formerly Invitae), Labcorp
Classification: Uncertain significance for RYR1-related disorder. Last evaluated: 2025-06-07. Review status: criteria provided, single submitter. Criteria: Invitae Variant Classification Sherloc (09022015). Collection method: clinical testing. Allele origin: germline.
Comment: This sequence change replaces aspartic acid, which is acidic and polar, with asparagine, which is neutral and polar, at codon 1328 of the RYR1 protein (p.Asp1328Asn). This variant is not present in population databases (gnomAD no frequency). This variant has not been reported in the literature in individuals affected with RYR1-related conditions. Invitae Evidence Modeling of protein sequence and biophysical properties (such as structural, functional, and spatial information, amino acid conservation, physicochemical variation, residue mobility, and thermodynamic stability) has been performed for this missense variant. However, the output from this modeling did not meet the statistical confidence thresholds required to predict the impact of this variant on RYR1 protein function. In summary, the available evidence is currently insufficient to determine the role of this variant in disease. Therefore, it has been classified as a Variant of Uncertain Significance.